The following is an entry in ClinVar:

ClinVar aggregate classification (germline): Benign (1 of 4 stars; one submission).

Conditions:
Amyotrophic lateral sclerosis type 6. Also called: FUS-Related Amyotrophic Laterial Sclerosis; AMYOTROPHIC LATERAL SCLEROSIS 6 WITHOUT FRONTOTEMPORAL DEMENTIA; Amyotrophic lateral sclerosis 6, with or without frontotemporal dementia. Identifiers: Orphanet 275872, Orphanet 803, MedGen C2931786, MONDO:0011951, OMIM 608030.

Allele frequency attached by ClinVar (database versions not stated): gnomAD 0.00472 and 0.00506; 1000 Genomes Project 30x 0.00515; TOPMed 0.00518; 1000 Genomes Project 0.00539.
gnomAD v4.1: 914 of 492,878 alleles (0.19%); highest among the groups gnomAD compares: African/African-American, 1.6%; 8 homozygotes.

Submission:

Illumina Laboratory Services, Illumina
Classification: Benign for Amyotrophic lateral sclerosis type 6. Last evaluated: 2018-01-12. Review status: criteria provided, single submitter. Criteria: ICSL Variant Classification Criteria 13 December 2019. Collection method: clinical testing. Allele origin: germline.
Comment: This variant was observed in the ICSL laboratory as part of a predisposition screen in an ostensibly healthy population. It had not been previously curated by ICSL or reported in the Human Gene Mutation Database (HGMD: prior to June 1st, 2018), and was therefore a candidate for classification through an automated scoring system. Utilizing variant allele frequency, disease prevalence and penetrance estimates, and inheritance mode, an automated score was calculated to assess if this variant is too frequent to cause the disease. Based on the score and internal cut-off values, a variant classified as benign is not then subjected to further curation. The score for this variant resulted in a classification of benign for this disease.

NM_004960.3(FUS):c.*1148A>T

Gene: FUS (FUS DNA/RNA binding protein; plus strand). Cytogenetic location: 16p11.2.
Variant type: single nucleotide variant.
Coding change: c.*1148A>T on transcript NM_004960.3; 1148 bases downstream of the stop codon, A replaced by T.
Molecular consequence: 3 prime UTR variant (on NM_001170634.1). On other transcripts: non-coding transcript variant (1).
Genome position (GRCh38, 1-based): chr16:31,192,586, A>T. VCF-style: chr16-31192586-A-T. GRCh37 (hg19) VCF-style: chr16-31203907-A-T.
Other names: c.*1148A>T (NM_001170634.1, NM_001170937.1).
Identifiers: ClinVar variation 319011 (VCV000319011.7), dbSNP rs140326191, ClinGen allele CA8024229.
Genomic context (GRCh38, chr16:31,192,586, plus strand): 5'-GGGACCCCTAATTGGGAAGTGCTTTCCTCTCAAATTTTTATTTTTTATTTTTAGAGACAG[A>T]GTCTTGCTCTGTCATCCAGGCTGGAGTGCAGTGGCGTGATCTCGGCTCACTGTAGCCTCT-3'